The following is an entry in ClinVar:

NM_172107.4(KCNQ2):c.1631+19C>T

Gene: KCNQ2 (potassium voltage-gated channel subfamily Q member 2; minus strand). Cytogenetic location: 20q13.33.
Variant type: single nucleotide variant.
Coding change: c.1631+19C>T on transcript NM_172107.4 (MANE Select); 19 bases into the intron after coding-DNA position 1631, C replaced by T.
Molecular consequence: intron variant.
Genome position (GRCh38, 1-based): chr20:63,414,069, G>A on the plus strand (C>T on the coding strand, the complement: KCNQ2 is on the minus strand). VCF-style: chr20-63414069-G-A. GRCh37 (hg19) VCF-style: chr20-62045422-G-A.
Other names: c.1547+19C>T (NM_004518.6); c.1538+19C>T (NM_172108.5); c.1577+19C>T (NM_172106.3).
Identifiers: ClinVar variation 378029 (VCV000378029.10), dbSNP rs770084619, ClinGen allele CA9958390.

ClinVar aggregate classification (germline): Likely benign. Review status: criteria provided, multiple submitters, no conflicts (2 of 4 stars). 3 submissions from 3 submitters: Likely benign (3). Last evaluated 2025-12-03.

Conditions:
Early-infantile DEE. Also called: Ohtahara syndrome; Early infantile epileptic encephalopathy; Early infantile epileptic encephalopathy with suppression bursts. Identifiers: Orphanet 1934, MedGen C0393706, MONDO:0800491.

Allele frequency attached by ClinVar (database versions not stated): gnomAD 0.00002; gnomAD exomes 0.00002 and 0.00008; TOPMed 0.00004; ExAC 0.00011.
gnomAD v4.1: 30 of 1,597,218 alleles (0.0019%); highest among the groups gnomAD compares: Admixed American, 0.023%; no homozygotes.

Submissions (3):

Labcorp Genetics (formerly Invitae), Labcorp
Classification: Likely benign for Early-infantile DEE. Last evaluated: 2025-12-03. Review status: criteria provided, single submitter. Criteria: Invitae Variant Classification Sherloc (09022015). Collection method: clinical testing. Allele origin: germline.

Blueprint Genetics
Classification: Likely benign. Last evaluated: 2024-11-26. Review status: criteria provided, single submitter. Criteria: ACMG Guidelines, 2015. Collection method: clinical testing. Allele origin: germline.

GeneDx
Classification: Likely benign. Last evaluated: 2017-08-17. Review status: criteria provided, single submitter. Criteria: GeneDx Variant Classification (06012015). Collection method: clinical testing. Allele origin: germline. Affected: yes.
Comment: This variant is considered likely benign or benign based on one or more of the following criteria: it is a conservative change, it occurs at a poorly conserved position in the protein, it is predicted to be benign by multiple in silico algorithms, and/or has population frequency not consistent with disease.